The following is an entry in ClinVar:

ClinVar aggregate classification (germline): Uncertain significance (1 of 4 stars; one submission).

gnomAD v4.1: 1 of 1,614,136 alleles (0.000062%); highest among the groups gnomAD compares: Non-Finnish European, 0.000085%; no homozygotes.

Submission:

Labcorp Genetics (formerly Invitae), Labcorp
Classification: Uncertain significance. Last evaluated: 2024-11-02. Review status: criteria provided, single submitter. Criteria: Invitae Variant Classification Sherloc (09022015). Collection method: clinical testing. Allele origin: germline.
Comment: This sequence change replaces threonine, which is neutral and polar, with isoleucine, which is neutral and non-polar, at codon 1126 of the TET2 protein (p.Thr1126Ile). This variant is present in population databases (rs142740297, gnomAD 0.002%). This variant has not been reported in the literature in individuals affected with TET2-related conditions. An algorithm developed to predict the effect of missense changes on protein structure and function (PolyPhen-2) suggests that this variant is likely to be disruptive. In summary, the available evidence is currently insufficient to determine the role of this variant in disease. Therefore, it has been classified as a Variant of Uncertain Significance.

NM_001127208.3(TET2):c.3377C>T (p.Thr1126Ile)

Genes: TET2 (tet methylcytosine dioxygenase 2; plus strand), TET2-AS1 (TET2 antisense RNA 1; minus strand). Cytogenetic location: 4q24.
Variant type: single nucleotide variant.
Coding change: c.3377C>T on transcript NM_001127208.3 (MANE Select); coding-DNA position 3377, C replaced by T.
Protein change: p.Thr1126Ile; replaces threonine 1126 with isoleucine.
Molecular consequence: missense variant.
Genome position (GRCh38, 1-based): chr4:105,237,319, C>T. VCF-style: chr4-105237319-C-T. GRCh37 (hg19) VCF-style: chr4-106158476-C-T.
Other names: c.3377C>T, p.Thr1126Ile (NM_017628.4); short protein forms T1126I.
Identifiers: ClinVar variation 3623163 (VCV003623163.2).